The following is an entry in ClinVar:

ClinVar aggregate classification (germline): Pathogenic (1 of 4 stars; one submission).

Conditions:
Primary ciliary dyskinesia. Also called: Ciliary dyskinesia. Identifiers: Orphanet 244, MedGen C0008780, MONDO:0016575, HP:0012265.

Submission:

Labcorp Genetics (formerly Invitae), Labcorp
Classification: Pathogenic for Primary ciliary dyskinesia. Last evaluated: 2019-09-03. Review status: criteria provided, single submitter. Criteria: Invitae Variant Classification Sherloc (09022015). Collection method: clinical testing. Allele origin: germline.
Comment: A gross deletion of the genomic region encompassing the full coding sequence of the DNAH5 gene has been identified. The boundaries of this event are unknown as the deletion extends beyond the assayed region for this gene and therefore may encompass additional genes. This variant has not been reported in the literature in individuals with DNAH5-related conditions. Loss-of-function variants in DNAH5 are known to be pathogenic (PMID: 11788826, 16627867). For these reasons, this variant has been classified as Pathogenic.

NC_000005.10:g.(?_13691964)_(13944458_?)del

Gene: DNAH5 (dynein axonemal heavy chain 5; minus strand). Cytogenetic location: 5p15.2.
Variant type: Deletion.
Identifiers: ClinVar variation 831258 (VCV000831258.1).